The following is an entry in ClinVar:

ClinVar aggregate classification (germline): Likely benign (1 of 4 stars; one submission).

Conditions:
Methylmalonic aciduria, cblA type (MACA). Also called: Methylmalonic aciduria, vitamin b12-responsive, due to defect in synthesis of adenosylcobalamin, cbla complementation type; MMA cbl A type; Methylmalonic acidemia cblA type; Methylmalonic aciduria, vitamin B12-responsive; Vitamin B12-responsive methylmalonic acidemia type cblA. Identifiers: Orphanet 28, Orphanet 79310, MedGen C1855109, MONDO:0009613, OMIM 251100.

Allele frequency attached by ClinVar (database versions not stated): gnomAD 0.00074 and 0.00100; TOPMed 0.00122; 1000 Genomes Project 0.00339; 1000 Genomes Project 30x 0.00406.

Submission:

Illumina Laboratory Services, Illumina
Classification: Likely benign for Methylmalonic aciduria, cblA type. Last evaluated: 2018-01-12. Review status: criteria provided, single submitter. Criteria: ICSL Variant Classification Criteria 13 December 2019. Collection method: clinical testing. Allele origin: germline.
Comment: This variant was observed in the ICSL laboratory as part of a predisposition screen in an ostensibly healthy population. It had not been previously curated by ICSL or reported in the Human Gene Mutation Database (HGMD: prior to June 1st, 2018), and was therefore a candidate for classification through an automated scoring system. Utilizing variant allele frequency, disease prevalence and penetrance estimates, and inheritance mode, an automated score was calculated to assess if this variant is too frequent to cause the disease. Based on the score and internal cut-off values, a variant classified as likely benign is not then subjected to further curation. The score for this variant resulted in a classification of likely benign for this disease.

NM_172250.3(MMAA):c.*1952T>C

Gene: MMAA (metabolism of cobalamin associated A; plus strand). Cytogenetic location: 4q31.21.
Variant type: single nucleotide variant.
Coding change: c.*1952T>C on transcript NM_172250.3 (MANE Select); 1952 bases downstream of the stop codon, T replaced by C.
Molecular consequence: 3 prime UTR variant.
Genome position (GRCh38, 1-based): chr4:145,657,386, T>C. VCF-style: chr4-145657386-T-C. GRCh37 (hg19) VCF-style: chr4-146578538-T-C.
Identifiers: ClinVar variation 347636 (VCV000347636.5), dbSNP rs79927727, ClinGen allele CA10617125.